The following is an entry in ClinVar:

ClinVar aggregate classification (germline): Uncertain significance (1 of 4 stars; one submission).

Conditions:
Joubert syndrome 8 (JBTS8). Identifiers: Orphanet 475, MedGen C2676771, MONDO:0012855, OMIM 612291.

gnomAD v4.1: 3 of 1,613,468 alleles (0.00019%); highest among the groups gnomAD compares: South Asian, 0.0033%; no homozygotes.

Submission:

Labcorp Genetics (formerly Invitae), Labcorp
Classification: Uncertain significance for Joubert syndrome 8. Last evaluated: 2025-08-19. Review status: criteria provided, single submitter. Criteria: Invitae Variant Classification Sherloc (09022015). Collection method: clinical testing. Allele origin: germline.
Comment: This sequence change replaces aspartic acid, which is acidic and polar, with glycine, which is neutral and non-polar, at codon 422 of the ARL13B protein (p.Asp422Gly). This variant is present in population databases (no rsID available, gnomAD 0.006%). This variant has not been reported in the literature in individuals affected with ARL13B-related conditions. An algorithm developed to predict the effect of missense changes on protein structure and function (PolyPhen-2) suggests that this variant is likely to be disruptive. In summary, the available evidence is currently insufficient to determine the role of this variant in disease. Therefore, it has been classified as a Variant of Uncertain Significance.

NM_001174150.2(ARL13B):c.1265A>G (p.Asp422Gly)

Gene: ARL13B (ARF like GTPase 13B; plus strand). Cytogenetic location: 3q11.2.
Variant type: single nucleotide variant.
Coding change: c.1265A>G on transcript NM_001174150.2 (MANE Select); coding-DNA position 1265, A replaced by G.
Protein change: p.Asp422Gly; replaces aspartic acid 422 with glycine.
Molecular consequence: missense variant. On other transcripts: non-coding transcript variant (2).
Genome position (GRCh38, 1-based): chr3:94,053,241, A>G. VCF-style: chr3-94053241-A-G. GRCh37 (hg19) VCF-style: chr3-93772085-A-G.
Other names: c.956A>G, p.Asp319Gly (NM_001174151.2); c.1220A>G, p.Asp407Gly (NM_001321328.2); c.1196A>G, p.Asp399Gly (NM_001410782.1); c.875A>G, p.Asp292Gly (NM_001437443.1); c.944A>G, p.Asp315Gly (NM_144996.4); c.1265A>G, p.Asp422Gly (NM_182896.3); short protein forms D319G, D407G, D292G, D315G, D422G, D399G.
Identifiers: ClinVar variation 4725684 (VCV004725684.1).